The following is an entry in ClinVar:

NM_002087.4(GRN):c.1261G>A (p.Glu421Lys)

Gene: GRN (granulin precursor; plus strand). Cytogenetic location: 17q21.31.
Variant type: single nucleotide variant.
Coding change: c.1261G>A on transcript NM_002087.4 (MANE Select); coding-DNA position 1261, G replaced by A.
Protein change: p.Glu421Lys; replaces glutamic acid 421 with lysine.
Molecular consequence: missense variant.
Genome position (GRCh38, 1-based): chr17:44,352,096, G>A. VCF-style: chr17-44352096-G-A. GRCh37 (hg19) VCF-style: chr17-42429464-G-A.
Other names: short protein forms E421K.
Identifiers: ClinVar variation 1371767 (VCV001371767.6), dbSNP rs199934385, ClinGen allele CA8602158.

ClinVar aggregate classification (germline): Uncertain significance (1 of 4 stars; one submission).

Conditions:
GRN-related frontotemporal lobar degeneration with Tdp43 inclusions (FTD2). Also called: DEMENTIA, HEREDITARY DYSPHASIC DISINHIBITION; FRONTOTEMPORAL LOBAR DEGENERATION WITH UBIQUITIN-POSITIVE INCLUSIONS; FTLD-TDP, GRN-RELATED; GRN Frontotemporal Dementia; FRONTOTEMPORAL DEMENTIA WITH TDP43 INCLUSIONS, GRN-RELATED. Identifiers: Orphanet 100070, Orphanet 282, MedGen C1843792, MONDO:0011842, OMIM 607485. Disease mechanism: loss of function.
Neuronal ceroid lipofuscinosis 11. Also called: GRN-Related Neuronal Ceroid-Lipofuscinosis. Identifiers: Orphanet 314629, Orphanet 79262, MedGen C3539123, MONDO:0013866, OMIM 614706.

Allele frequency attached by ClinVar (database versions not stated): 1000 Genomes Project 0.00020; 1000 Genomes Project 30x 0.00031; ExAC 0.00001; gnomAD 0.00001.

Submission:

Labcorp Genetics (formerly Invitae), Labcorp
Classification: Uncertain significance for Neuronal ceroid lipofuscinosis 11; GRN-related frontotemporal lobar degeneration with Tdp43 inclusions. Last evaluated: 2021-10-08. Review status: criteria provided, single submitter. Criteria: Invitae Variant Classification Sherloc (09022015). Collection method: clinical testing. Allele origin: germline.
Comment: In summary, the available evidence is currently insufficient to determine the role of this variant in disease. Therefore, it has been classified as a Variant of Uncertain Significance. Algorithms developed to predict the effect of missense changes on protein structure and function output the following: SIFT: "Tolerated"; PolyPhen-2: "Benign"; Align-GVGD: "Class C0". The lysine amino acid residue is found in multiple mammalian species, which suggests that this missense change does not adversely affect protein function. This variant has not been reported in the literature in individuals affected with GRN-related conditions. This variant is present in population databases (rs199934385, ExAC 0.01%). This sequence change replaces glutamic acid with lysine at codon 421 of the GRN protein (p.Glu421Lys). The glutamic acid residue is weakly conserved and there is a small physicochemical difference between glutamic acid and lysine.